The following is an entry in ClinVar:

ClinVar aggregate classification (germline): Likely benign (1 of 4 stars; one submission).

gnomAD v4.1: 16 of 1,614,044 alleles (0.00099%); highest among the groups gnomAD compares: Admixed American, 0.0033%; no homozygotes.

Submission:

CeGaT Center for Human Genetics Tuebingen
Classification: Likely benign. Last evaluated: 2022-05-01. Review status: criteria provided, single submitter. Criteria: CeGaT Center For Human Genetics Tuebingen Variant Classification Criteria Version 2. Collection method: clinical testing. Allele origin: germline. Affected: yes. Observed: 1 variant allele.
Comment: AASS: BP4, BP7

NM_005763.4(AASS):c.2634C>T (p.Thr878=)

Gene: AASS (aminoadipate-semialdehyde synthase; minus strand). Cytogenetic location: 7q31.32.
Variant type: single nucleotide variant.
Coding change: c.2634C>T on transcript NM_005763.4 (MANE Select); coding-DNA position 2634, C replaced by T.
Protein change: p.Thr878=; no amino-acid change (threonine 878 retained).
Molecular consequence: synonymous variant.
Genome position (GRCh38, 1-based): chr7:122,077,866, G>A on the plus strand (C>T on the coding strand, the complement: AASS is on the minus strand). VCF-style: chr7-122077866-G-A. GRCh37 (hg19) VCF-style: chr7-121717920-G-A.
Identifiers: ClinVar variation 2657969 (VCV002657969.24), dbSNP rs768298788, ClinGen allele CA4457972.